The following is an entry in ClinVar:

ClinVar aggregate classification (germline): Uncertain significance (1 of 4 stars; one submission).

Conditions:
Cardiomyopathy (CMYO). Also called: Cardiomyopathies. Identifiers: Orphanet 167848, MedGen C0878544, MONDO:0004994, HP:0001638. Inheritance: Various modes of inheritance.

Submission:

Color Diagnostics, LLC DBA Color Health
Classification: Uncertain significance for Cardiomyopathy. Last evaluated: 2024-03-06. Review status: criteria provided, single submitter. Criteria: ACMG Guidelines, 2015. Collection method: clinical testing. Allele origin: germline.
Comment: This missense variant replaces glutamine with histidine at codon 1185 of the MYBPC3 protein. Computational prediction suggests that this variant may not impact protein structure and function (internally defined REVEL score threshold <= 0.5, PMID: 27666373). Splice site prediction tools suggest that this variant may not impact RNA splicing. To our knowledge, functional studies have not been performed for this variant. This variant has not been reported in individuals affected with cardiovascular disorders in the literature. This variant has not been identified in the general population by the Genome Aggregation Database (gnomAD). The available evidence is insufficient to determine the role of this variant in disease conclusively. Therefore, this variant is classified as a Variant of Uncertain Significance.

NM_000256.3(MYBPC3):c.3555G>T (p.Gln1185His)

Gene: MYBPC3 (myosin binding protein C3; minus strand). Cytogenetic location: 11p11.2.
Variant type: single nucleotide variant.
Coding change: c.3555G>T on transcript NM_000256.3 (MANE Select); coding-DNA position 3555, G replaced by T.
Protein change: p.Gln1185His; replaces glutamine 1185 with histidine.
Molecular consequence: missense variant.
Genome position (GRCh38, 1-based): chr11:47,332,638, C>A on the plus strand (G>T on the coding strand, the complement: MYBPC3 is on the minus strand). VCF-style: chr11-47332638-C-A. GRCh37 (hg19) VCF-style: chr11-47354189-C-A.
Other names: short protein forms Q1185H.
Identifiers: ClinVar variation 923334 (VCV000923334.4), dbSNP rs2095878312, ClinGen allele CA380312588.